The following is an entry in ClinVar:

ClinVar aggregate classification (germline): Uncertain significance (1 of 4 stars; one submission).

Conditions:
Joubert syndrome 21 (JBTS21). Identifiers: MedGen C3810212, MONDO:0014288, OMIM 615636.

Allele frequency attached by ClinVar (database versions not stated): ExAC 0.00001.
gnomAD v4.1: 1 of 1,613,618 alleles (0.000062%); highest among the groups gnomAD compares: Admixed American, 0.0017%; no homozygotes.

Submission:

Labcorp Genetics (formerly Invitae), Labcorp
Classification: Uncertain significance for Joubert syndrome 21. Last evaluated: 2022-02-02. Review status: criteria provided, single submitter. Criteria: Invitae Variant Classification Sherloc (09022015). Collection method: clinical testing. Allele origin: germline.
Comment: This variant is present in population databases (rs755596160, gnomAD 0.003%). This sequence change replaces glycine, which is neutral and non-polar, with aspartic acid, which is acidic and polar, at codon 249 of the CSPP1 protein (p.Gly249Asp). This variant has not been reported in the literature in individuals affected with CSPP1-related conditions. In summary, the available evidence is currently insufficient to determine the role of this variant in disease. Therefore, it has been classified as a Variant of Uncertain Significance. Algorithms developed to predict the effect of missense changes on protein structure and function output the following: SIFT: "Tolerated"; PolyPhen-2: "Benign"; Align-GVGD: "Class C0". The aspartic acid amino acid residue is found in multiple mammalian species, which suggests that this missense change does not adversely affect protein function.

NM_001382391.1(CSPP1):c.719G>A (p.Gly240Asp)

Gene: CSPP1 (centrosome and spindle pole associated protein 1; plus strand). Cytogenetic location: 8q13.1.
Variant type: single nucleotide variant.
Coding change: c.719G>A on transcript NM_001382391.1 (MANE Select); coding-DNA position 719, G replaced by A.
Protein change: p.Gly240Asp; replaces glycine 240 with aspartic acid.
Molecular consequence: missense variant. On other transcripts: 5 prime UTR variant (1).
Genome position (GRCh38, 1-based): chr8:67,095,528, G>A. VCF-style: chr8-67095528-G-A. GRCh37 (hg19) VCF-style: chr8-68007763-G-A.
Other names: c.-137G>A (NM_001291339.2); c.638G>A, p.Gly213Asp (NM_001363131.2, NM_001363133.2); c.719G>A, p.Gly240Asp (NM_001363132.2); c.827G>A, p.Gly276Asp (NM_001364869.1); c.746G>A, p.Gly249Asp (NM_001364870.1, NM_024790.7); short protein forms G213D, G276D, G240D, G249D.
Identifiers: ClinVar variation 2091820 (VCV002091820.4), dbSNP rs755596160, ClinGen allele CA4770343.